The following is an entry in ClinVar:

ClinVar aggregate classification (germline): Likely benign (1 of 4 stars; one submission).

gnomAD v4.1: 2 of 1,613,924 alleles (0.00012%); highest among the groups gnomAD compares: Non-Finnish European, 0.000085%; no homozygotes.

Submission:

CeGaT Center for Human Genetics Tuebingen
Classification: Likely benign. Last evaluated: 2026-04-01. Review status: criteria provided, single submitter. Criteria: CeGaT Center For Human Genetics Tuebingen Variant Classification Criteria Version 2. Collection method: clinical testing. Allele origin: germline. Affected: yes. Observed: 1 variant allele.
Comment: MYOM1: BP4

NM_003803.4(MYOM1):c.2125T>C (p.Cys709Arg)

Gene: MYOM1 (myomesin 1; minus strand). Cytogenetic location: 18p11.31.
Variant type: single nucleotide variant.
Coding change: c.2125T>C on transcript NM_003803.4 (MANE Select); coding-DNA position 2125, T replaced by C.
Protein change: p.Cys709Arg; replaces cysteine 709 with arginine.
Molecular consequence: missense variant.
Genome position (GRCh38, 1-based): chr18:3,135,631, A>G on the plus strand (T>C on the coding strand, the complement: MYOM1 is on the minus strand). VCF-style: chr18-3135631-A-G. GRCh37 (hg19) VCF-style: chr18-3135629-A-G.
Other names: c.2125T>C, p.Cys709Arg (NM_019856.2); short protein forms C709R.
Identifiers: ClinVar variation 4874250 (VCV004874250.2).